The following is an entry in ClinVar:

ClinVar aggregate classification (germline): Uncertain significance (1 of 4 stars; one submission).

Conditions:
ALG1-congenital disorder of glycosylation. Also called: CONGENITAL DISORDER OF GLYCOSYLATION, TYPE Ik; CDG Ik; ALG1-CDG. Identifiers: Orphanet 79327, MedGen C2931005, MONDO:0012052, OMIM 608540.

Submission:

Labcorp Genetics (formerly Invitae), Labcorp
Classification: Uncertain significance for ALG1-congenital disorder of glycosylation. Last evaluated: 2021-11-28. Review status: criteria provided, single submitter. Criteria: Invitae Variant Classification Sherloc (09022015). Collection method: clinical testing. Allele origin: germline.
Comment: This sequence change replaces alanine, which is neutral and non-polar, with serine, which is neutral and polar, at codon 57 of the ALG1 protein (p.Ala57Ser). This variant is not present in population databases (gnomAD no frequency). This variant has not been reported in the literature in individuals affected with ALG1-related conditions. Advanced modeling of protein sequence and biophysical properties (such as structural, functional, and spatial information, amino acid conservation, physicochemical variation, residue mobility, and thermodynamic stability) performed at Invitae indicates that this missense variant is not expected to disrupt ALG1 protein function. In summary, the available evidence is currently insufficient to determine the role of this variant in disease. Therefore, it has been classified as a Variant of Uncertain Significance.

NM_019109.5(ALG1):c.169G>T (p.Ala57Ser)

Genes: ALG1 (ALG1 chitobiosyldiphosphodolichol beta-mannosyltransferase; plus strand), LOC130058384 (ATAC-STARR-seq lymphoblastoid active region 10349; plus strand). Cytogenetic location: 16p13.3.
Variant type: single nucleotide variant.
Coding change: c.169G>T on transcript NM_019109.5 (MANE Select); coding-DNA position 169, G replaced by T.
Protein change: p.Ala57Ser; replaces alanine 57 with serine.
Molecular consequence: missense variant.
Genome position (GRCh38, 1-based): chr16:5,072,018, G>T. VCF-style: chr16-5072018-G-T. GRCh37 (hg19) VCF-style: chr16-5122019-G-T.
Other names: short protein forms A57S.
Identifiers: ClinVar variation 2014599 (VCV002014599.1), dbSNP rs1567165598, ClinGen allele CA394678710.